The following is an entry in ClinVar:

ClinVar aggregate classification (germline): Uncertain significance. Review status: criteria provided, multiple submitters, no conflicts (2 of 4 stars). 2 submissions from 2 submitters: Uncertain significance (2). Last evaluated 2025-04-30.

Conditions:
Neurofibromatosis, type 1 (NF1). Also called: NEUROFIBROMATOSIS, TYPE I, SOMATIC; Neurofibromatosis, type I; Peripheral type neurofibromatosis; VON RECKLINGHAUSEN DISEASE. Identifiers: Orphanet 636, MedGen C0027831, MONDO:0018975, OMIM 162200. Disease mechanism: loss of function.
Hereditary cancer-predisposing syndrome. Also called: Hereditary Cancer Syndrome; Hereditary neoplastic syndrome; Neoplastic Syndromes, Hereditary; Tumor predisposition. Identifiers: Orphanet 140162, MedGen C0027672, MeSH D009386, MONDO:0015356.
Cardiovascular phenotype. Identifiers: MedGen CN230736.

Submissions (2):

Labcorp Genetics (formerly Invitae), Labcorp
Classification: Uncertain significance for Neurofibromatosis, type 1. Last evaluated: 2025-04-30. Review status: criteria provided, single submitter. Criteria: Invitae Variant Classification Sherloc (09022015). Collection method: clinical testing. Allele origin: germline.
Comment: This sequence change replaces cysteine, which is neutral and slightly polar, with arginine, which is basic and polar, at codon 622 of the NF1 protein (p.Cys622Arg). This variant is not present in population databases (gnomAD no frequency). This variant has not been reported in the literature in individuals affected with NF1-related conditions. ClinVar contains an entry for this variant (Variation ID: 3404760). Invitae Evidence Modeling of protein sequence and biophysical properties (such as structural, functional, and spatial information, amino acid conservation, physicochemical variation, residue mobility, and thermodynamic stability) indicates that this missense variant is not expected to disrupt NF1 protein function with a negative predictive value of 95%. In summary, the available evidence is currently insufficient to determine the role of this variant in disease. Therefore, it has been classified as a Variant of Uncertain Significance.

Ambry Genetics
Classification: Uncertain significance for Cardiovascular phenotype; Hereditary cancer-predisposing syndrome. Last evaluated: 2024-09-22. Review status: criteria provided, single submitter. Criteria: Ambry Variant Classification Scheme 2023. Collection method: clinical testing. Allele origin: germline.
Comment: The p.C622R variant (also known as c.1864T>C), located in coding exon 17 of the NF1 gene, results from a T to C substitution at nucleotide position 1864. The cysteine at codon 622 is replaced by arginine, an amino acid with highly dissimilar properties. This amino acid position is conserved. In addition, the in silico prediction for this alteration is inconclusive. Based on the available evidence, the clinical significance of this variant remains unclear.

NM_001042492.3(NF1):c.1864T>C (p.Cys622Arg)

Gene: NF1 (neurofibromin 1; plus strand). Cytogenetic location: 17q11.2.
Variant type: single nucleotide variant.
Coding change: c.1864T>C on transcript NM_001042492.3 (MANE Select); coding-DNA position 1864, T replaced by C.
Protein change: p.Cys622Arg; replaces cysteine 622 with arginine.
Molecular consequence: missense variant.
Genome position (GRCh38, 1-based): chr17:31,225,113, T>C. VCF-style: chr17-31225113-T-C. GRCh37 (hg19) VCF-style: chr17-29552131-T-C.
Other names: c.1864T>C, p.Cys622Arg (NM_000267.4); short protein forms C622R.
Identifiers: ClinVar variation 3404760 (VCV003404760.2).